The following is an entry in ClinVar:

NM_138711.6(PPARG):c.144C>T (p.Tyr48=)

Gene: PPARG (peroxisome proliferator activated receptor gamma; plus strand). Cytogenetic location: 3p25.2.
Variant type: single nucleotide variant.
Coding change: c.144C>T on transcript NM_138711.6 (MANE Select); coding-DNA position 144, C replaced by T.
Protein change: p.Tyr48=; no amino-acid change (tyrosine 48 retained).
Molecular consequence: synonymous variant. On other transcripts: 5 prime UTR variant (1).
Genome position (GRCh38, 1-based): chr3:12,379,855, C>T. VCF-style: chr3-12379855-C-T. GRCh37 (hg19) VCF-style: chr3-12421354-C-T.
Other names: c.144C>T, p.Tyr48= (NM_001330615.4, NM_001354666.3, NM_001354667.3 and 6 more transcripts); c.234C>T, p.Tyr78= (NM_001354668.2, NM_001374265.1, NM_015869.5); c.-284C>T (NM_001354669.2); c.150C>T, p.Tyr50= (NM_001354670.2, NM_001374266.1).
Identifiers: ClinVar variation 4977129 (VCV004977129.1).

ClinVar aggregate classification (germline): Likely benign (1 of 4 stars; one submission).

Conditions:
PPARG-related disorder. Also called: PPARG-related condition; PPARG-related disorders.

gnomAD v4.1: 4 of 1,613,876 alleles (0.00025%); highest among the groups gnomAD compares: African/African-American, 0.0013%; no homozygotes.

Submission:

PreventionGenetics, part of Exact Sciences
Classification: Likely benign for PPARG-related condition. Last evaluated: 2025-01-24. Review status: criteria provided, single submitter. Criteria: ACMG Guidelines, 2015. Collection method: clinical testing. Allele origin: germline.
Comment: This variant is classified as likely benign based on ACMG/AMP sequence variant interpretation guidelines (Richards et al. 2015 PMID: 25741868, with internal and published modifications).